The following is an entry in ClinVar:

NM_004304.5(ALK):c.1163T>A (p.Val388Glu)

Gene: ALK (ALK receptor tyrosine kinase; minus strand). Cytogenetic location: 2p23.2.
Variant type: single nucleotide variant.
Coding change: c.1163T>A on transcript NM_004304.5 (MANE Select); coding-DNA position 1163, T replaced by A.
Protein change: p.Val388Glu; replaces valine 388 with glutamic acid.
Molecular consequence: missense variant.
Genome position (GRCh38, 1-based): chr2:29,383,851, A>T on the plus strand (T>A on the coding strand, the complement: ALK is on the minus strand). VCF-style: chr2-29383851-A-T. GRCh37 (hg19) VCF-style: chr2-29606717-A-T.
Other names: short protein forms V388E.
Identifiers: ClinVar variation 1020743 (VCV001020743.8), dbSNP rs1668966196, ClinGen allele CA346585513.

ClinVar aggregate classification (germline): Uncertain significance (1 of 4 stars; one submission).

Conditions:
Neuroblastoma, susceptibility to, 3. Also called: ALK-Related Neuroblastic Tumor Susceptibility. Identifiers: Orphanet 635, MedGen C2751681, MONDO:0013083, OMIM 613014.

Submission:

Labcorp Genetics (formerly Invitae), Labcorp
Classification: Uncertain significance for Neuroblastoma, susceptibility to, 3. Last evaluated: 2020-08-09. Review status: criteria provided, single submitter. Criteria: Invitae Variant Classification Sherloc (09022015). Collection method: clinical testing. Allele origin: germline.
Comment: In summary, the available evidence is currently insufficient to determine the role of this variant in disease. Therefore, it has been classified as a Variant of Uncertain Significance. Algorithms developed to predict the effect of missense changes on protein structure and function are either unavailable or do not agree on the potential impact of this missense change (SIFT: "Deleterious"; PolyPhen-2: "Possibly Damaging"; Align-GVGD: "Class C0"). This variant has not been reported in the literature in individuals with ALK-related conditions. This variant is not present in population databases (ExAC no frequency). This sequence change replaces valine with glutamic acid at codon 388 of the ALK protein (p.Val388Glu). The valine residue is highly conserved and there is a moderate physicochemical difference between valine and glutamic acid.